The following is an entry in ClinVar:

NM_004100.5(EYA4):c.1275T>G (p.Asp425Glu)

Genes: EYA4 (EYA transcriptional coactivator and phosphatase 4; plus strand), TARID (TCF21 antisense RNA inducing promoter demethylation; minus strand), LOC126859796 (MED14-independent group 3 enhancer GRCh37_chr6:133826289-133827488; plus strand). Cytogenetic location: 6q23.2.
Variant type: single nucleotide variant.
Coding change: c.1275T>G on transcript NM_004100.5 (MANE Select); coding-DNA position 1275, T replaced by G.
Protein change: p.Asp425Glu; replaces aspartic acid 425 with glutamic acid.
Molecular consequence: missense variant. On other transcripts: non-coding transcript variant (1).
Genome position (GRCh38, 1-based): chr6:133,506,189, T>G. VCF-style: chr6-133506189-T-G. GRCh37 (hg19) VCF-style: chr6-133827327-T-G.
Other names: c.1113T>G, p.Asp371Glu (NM_001301012.2); c.1293T>G, p.Asp431Glu (NM_001301013.2); c.1206T>G, p.Asp402Glu (NM_001370458.1, NM_172103.4); c.1131T>G, p.Asp377Glu (NM_001370459.1); c.1275T>G, p.Asp425Glu (NM_172105.4); c.1275T>G (NM_004100.4); short protein forms D371E, D425E, D377E, D431E, D402E.
Identifiers: ClinVar variation 4754565 (VCV004754565.2).

ClinVar aggregate classification (germline): Uncertain significance. Review status: criteria provided, multiple submitters, no conflicts (2 of 4 stars). 2 submissions from 2 submitters: Uncertain significance (2). Last evaluated 2026-08-23.

Conditions:
Cardiovascular phenotype. Identifiers: MedGen CN230736.
Dilated cardiomyopathy 1J (CMD1J). Also called: CARDIOMYOPATHY, DILATED, WITH SENSORINEURAL HEARING LOSS, AUTOSOMAL DOMINANT. Identifiers: Orphanet 217622, MedGen C1854368, MONDO:0011541, OMIM 605362.

gnomAD v4.1: 7 of 1,577,094 alleles (0.00044%); highest among the groups gnomAD compares: African/African-American, 0.0013%; no homozygotes.

Submissions (2):

Ambry Genetics
Classification: Uncertain significance for Cardiovascular phenotype. Last evaluated: 2026-08-23. Review status: criteria provided, single submitter. Criteria: Ambry Variant Classification Scheme 2023. Collection method: clinical testing. Allele origin: germline.

Labcorp Genetics (formerly Invitae), Labcorp
Classification: Uncertain significance for Dilated cardiomyopathy 1J. Last evaluated: 2025-09-12. Review status: criteria provided, single submitter. Criteria: Invitae Variant Classification Sherloc (09022015). Collection method: clinical testing. Allele origin: germline.
Comment: This sequence change replaces aspartic acid, which is acidic and polar, with glutamic acid, which is acidic and polar, at codon 425 of the EYA4 protein (p.Asp425Glu). This variant is present in population databases (no rsID available, gnomAD 0.01%). This variant has not been reported in the literature in individuals affected with EYA4-related conditions. Invitae Evidence Modeling of protein sequence and biophysical properties (such as structural, functional, and spatial information, amino acid conservation, physicochemical variation, residue mobility, and thermodynamic stability) indicates that this missense variant is not expected to disrupt EYA4 protein function with a negative predictive value of 80%. In summary, the available evidence is currently insufficient to determine the role of this variant in disease. Therefore, it has been classified as a Variant of Uncertain Significance.